The following is an entry in ClinVar:

NM_001378454.1(ALMS1):c.8638A>G (p.Ile2880Val)

Gene: ALMS1 (ALMS1 centrosome and basal body associated protein; plus strand). Cytogenetic location: 2p13.1.
Variant type: single nucleotide variant.
Coding change: c.8638A>G on transcript NM_001378454.1 (MANE Select); coding-DNA position 8638, A replaced by G.
Protein change: p.Ile2880Val; replaces isoleucine 2880 with valine.
Molecular consequence: missense variant.
Genome position (GRCh38, 1-based): chr2:73,490,597, A>G. VCF-style: chr2-73490597-A-G. GRCh37 (hg19) VCF-style: chr2-73717724-A-G.
Other names: c.8641A>G, p.Ile2881Val (NM_015120.4); short protein forms I2881V, I2880V.
Identifiers: ClinVar variation 1370389 (VCV001370389.3), dbSNP rs767384464, ClinGen allele CA50378943.

ClinVar aggregate classification (germline): Uncertain significance (1 of 4 stars; one submission).

Conditions:
Alstrom syndrome (ALMS). Identifiers: Orphanet 64, MedGen C0268425, MONDO:0008763, OMIM 203800.

Allele frequency attached by ClinVar (database versions not stated): gnomAD exomes below 0.00001 and 0.00004; gnomAD 0.00001.
gnomAD v4.1: 54 of 1,614,060 alleles (0.0033%); highest among the groups gnomAD compares: Non-Finnish European, 0.0046%; no homozygotes.

Submission:

Labcorp Genetics (formerly Invitae), Labcorp
Classification: Uncertain significance for Alstrom syndrome. Last evaluated: 2021-08-05. Review status: criteria provided, single submitter. Criteria: Invitae Variant Classification Sherloc (09022015). Collection method: clinical testing. Allele origin: germline.
Comment: This sequence change replaces isoleucine with valine at codon 2881 of the ALMS1 protein (p.Ile2881Val). The isoleucine residue is moderately conserved and there is a small physicochemical difference between isoleucine and valine. This variant is not present in population databases (ExAC no frequency). This variant has not been reported in the literature in individuals affected with ALMS1-related conditions. Algorithms developed to predict the effect of missense changes on protein structure and function (SIFT, PolyPhen-2, Align-GVGD) all suggest that this variant is likely to be tolerated. In summary, the available evidence is currently insufficient to determine the role of this variant in disease. Therefore, it has been classified as a Variant of Uncertain Significance.